The following is an entry in ClinVar:

NM_138713.4(NFAT5):c.39A>C (p.Leu13=)

Genes: NFAT5 (nuclear factor of activated T cells 5; plus strand), LOC130059315 (ATAC-STARR-seq lymphoblastoid silent region 7663; plus strand). Cytogenetic location: 16q22.1.
Variant type: single nucleotide variant.
Coding change: c.39A>C on transcript NM_138713.4 (MANE Select); coding-DNA position 39, A replaced by C.
Protein change: p.Leu13=; no amino-acid change (leucine 13 retained).
Molecular consequence: synonymous variant. On other transcripts: 5 prime UTR variant (4).
Genome position (GRCh38, 1-based): chr16:69,566,340, A>C. VCF-style: chr16-69566340-A-C. GRCh37 (hg19) VCF-style: chr16-69600243-A-C.
Other names: c.39A>C, p.Leu13= (NM_001113178.3, NM_006599.4); c.-161A>C (NM_001367709.1); c.-306A>C (NM_138714.4); c.-252A>C (NM_173214.3, NM_173215.3).
Identifiers: ClinVar variation 3049105 (VCV003049105.3), dbSNP rs373280302, ClinGen allele CA8135241.

ClinVar aggregate classification (germline): Likely benign. Review status: criteria provided, single submitter (1 of 4 stars). 2 submissions from 2 submitters: Likely benign (1). 1 of the submissions does not count toward it. Last evaluated 2024-10-02.

Conditions:
NFAT5-related disorder. Also called: NFAT5-related condition.

Allele frequency attached by ClinVar (database versions not stated): gnomAD 0.00009; gnomAD exomes 0.00011; TOPMed 0.00012; ExAC 0.00020; ESP Exome Variant Server 0.00023.
gnomAD v4.1: 170 of 1,607,140 alleles (0.011%); highest among the groups gnomAD compares: Middle Eastern, 0.016%; no homozygotes.

Submissions (2):

Blueprint Genetics
Classification: Likely benign. Last evaluated: 2024-10-02. Review status: criteria provided, single submitter. Criteria: ACMG Guidelines, 2015. Collection method: clinical testing. Allele origin: germline.

PreventionGenetics, part of Exact Sciences
Classification: Likely benign for NFAT5-related condition. Last evaluated: 2022-08-16. Review status: no assertion criteria provided. Collection method: clinical testing. Allele origin: germline. Not counted in ClinVar's aggregate classification.
Comment: This variant is classified as likely benign based on ACMG/AMP sequence variant interpretation guidelines (Richards et al. 2015 PMID: 25741868, with internal and published modifications).